The following is an entry in ClinVar:

NM_000642.3(AGL):c.1444A>T (p.Arg482Ter)

Gene: AGL (amylo-alpha-1,6-glucosidase and 4-alpha-glucanotransferase; plus strand). Cytogenetic location: 1p21.2.
Variant type: single nucleotide variant.
Coding change: c.1444A>T on transcript NM_000642.3 (MANE Select); coding-DNA position 1444, A replaced by T.
Protein change: p.Arg482Ter; replaces arginine 482 with a stop codon.
Molecular consequence: nonsense.
Genome position (GRCh38, 1-based): chr1:99,877,661, A>T. VCF-style: chr1-99877661-A-T. GRCh37 (hg19) VCF-style: chr1-100343217-A-T.
Other names: c.1444A>T, p.Arg482Ter (NM_000028.3, NM_000643.3, NM_000644.3 and 2 more transcripts); c.1396A>T, p.Arg466Ter (NM_000646.3); c.1243A>T, p.Arg415Ter (NM_001425327.1); c.1240A>T, p.Arg414Ter (NM_001425328.1, NM_001425329.1); c.1066A>T, p.Arg356Ter (NM_001425332.1); short protein forms R466*, R482*, R356*, R414*, R415*.
Identifiers: ClinVar variation 1725496 (VCV001725496.2), dbSNP rs1651659929, ClinGen allele CA341314511.

ClinVar aggregate classification (germline): Likely pathogenic (1 of 4 stars; one submission).

Conditions:
Glycogen storage disease type III (GSD3). Also called: FORBES DISEASE; Cori disease. Identifiers: Orphanet 366, MedGen C0017922, MONDO:0009291, OMIM 232400.

Submission:

Myriad Genetics, Inc.
Classification: Likely pathogenic for Glycogen storage disease type III. Last evaluated: 2022-03-29. Review status: criteria provided, single submitter. Criteria: Myriad Women's Health Autosomal Recessive and X-Linked Classification Criteria (2021). Collection method: clinical testing. Allele origin: unknown.
Comment: NM_000642.2(AGL):c.1444A>T(R482*) is expected to be pathogenic in the context of glycogen storage disease type III. This variant is predicted to lead to an abnormal or absent protein product due to the creation of a premature termination codon in AGL, a gene where loss-of-function variants are known to be pathogenic. Please note: this variant was assessed in the context of healthy population screening.